The following is an entry in ClinVar:

NM_022773.4(LMF1):c.157del (p.Arg53fs)

Genes: LMF1 (lipase maturation factor 1; minus strand), LOC130058141 (ATAC-STARR-seq lymphoblastoid silent region 6962; plus strand). Cytogenetic location: 16p13.3.
Variant type: Deletion.
Coding change: c.157del on transcript NM_022773.4 (MANE Select); coding-DNA position 157, one base deleted (C; older notation c.157delC).
Protein change: p.Arg53fs; shifts the reading frame from arginine 53.
Molecular consequence: frameshift variant. On other transcripts: 5 prime UTR variant (1), non-coding transcript variant (1), intron variant (3).
Genome position (GRCh38, 1-based): chr16:970,824, G deleted on the plus strand (C on the coding strand, the reverse complement: LMF1 is on the minus strand); the first of 3 consecutive G bases (chr16:970,824-970,826); deleting any one gives the same sequence. VCF-style (leftmost placement, unchanged base first): chr16-970823-CG-C. GRCh37 (hg19) VCF-style: chr16-1020823-CG-C.
Other names: c.157del, p.Arg53fs (NM_001352020.1); c.-549del (NM_001352021.2); c.-135+10321del (NM_001352019.2); c.-611+10321del (NM_001352017.2); c.-362+10321del (NM_001352018.2); short protein forms R53fs.
Identifiers: ClinVar variation 3227807 (VCV003227807.1), dbSNP rs1780924305, ClinGen allele CA2201374255.

ClinVar aggregate classification (germline): Pathogenic (1 of 4 stars; one submission).

Conditions:
Cardiovascular phenotype. Identifiers: MedGen CN230736.

Submission:

Ambry Genetics
Classification: Pathogenic for Cardiovascular phenotype. Last evaluated: 2023-09-29. Review status: criteria provided, single submitter. Criteria: Ambry Variant Classification Scheme 2023. Collection method: clinical testing. Allele origin: germline.
Comment: The c.157delC pathogenic mutation, located in coding exon 1 of the LMF1 gene, results from a deletion of one nucleotide at nucleotide position 157, causing a translational frameshift with a predicted alternate stop codon (p.R53Gfs*5). This alteration has been reported as a compound heterozygote in two siblings with features of chylomicronemia syndrome (P&eacute;terfy M et al. J Clin Lipidol, 2018 Jul;12:1253-1259). This variant is considered to be rare based on population cohorts in the Genome Aggregation Database (gnomAD). In addition to the clinical data presented in the literature, this alteration is expected to result in loss of function by premature protein truncation or nonsense-mediated mRNA decay. As such, this alteration is interpreted as a disease-causing mutation.

Literature cited by the submitters: PubMed 30172716.